The following is an entry in ClinVar:

ClinVar aggregate classification (germline): Pathogenic (1 of 4 stars; one submission).

Submission:

Labcorp Genetics (formerly Invitae), Labcorp
Classification: Pathogenic. Last evaluated: 2025-08-22. Review status: criteria provided, single submitter. Criteria: Invitae Variant Classification Sherloc (09022015). Collection method: clinical testing. Allele origin: germline.
Comment: This sequence change creates a premature translational stop signal (p.His569Thrfs*9) in the FAM161A gene. It is expected to result in an absent or disrupted protein product. Loss-of-function variants in FAM161A are known to be pathogenic (PMID: 20705278, 20705279, 24651477). This variant is not present in population databases (gnomAD no frequency). This variant has not been reported in the literature in individuals affected with FAM161A-related conditions. ClinVar contains an entry for this variant (Variation ID: 1457040). For these reasons, this variant has been classified as Pathogenic.

Literature cited by the submitters: PubMed 20705278; PubMed 20705279; PubMed 24651477.

NM_001201543.2(FAM161A):c.1704dup (p.His569fs)

Gene: FAM161A (FAM161 centrosomal protein A; minus strand). Cytogenetic location: 2p15.
Variant type: Duplication.
Coding change: c.1704dup on transcript NM_001201543.2 (MANE Select); coding-DNA position 1704, one base duplicated (A; older notation c.1704dupA).
Protein change: p.His569fs; shifts the reading frame from histidine 569.
Molecular consequence: frameshift variant. On other transcripts: intron variant (1).
Genome position (GRCh38, 1-based): chr2:61,838,585, T duplicated on the plus strand (A on the coding strand, the reverse complement: FAM161A is on the minus strand). VCF-style (leftmost placement, unchanged base first): chr2-61838584-G-GT. GRCh37 (hg19) VCF-style: chr2-62065719-G-GT.
Other names: c.1583+836dup (NM_032180.3); short protein forms H569fs.
Identifiers: ClinVar variation 1457040 (VCV001457040.6), dbSNP rs2105077955, ClinGen allele CA2573135071.